The following is an entry in ClinVar:

NM_002335.4(LRP5):c.1801+693G>A

Gene: LRP5 (LDL receptor related protein 5; plus strand). Cytogenetic location: 11q13.2.
Variant type: single nucleotide variant.
Coding change: c.1801+693G>A on transcript NM_002335.4 (MANE Select); 693 bases into the intron after coding-DNA position 1801, G replaced by A.
Molecular consequence: intron variant. On other transcripts: missense variant (1).
Genome position (GRCh38, 1-based): chr11:68,404,392, G>A. VCF-style: chr11-68404392-G-A. GRCh37 (hg19) VCF-style: chr11-68171860-G-A.
Other names: c.34G>A, p.Ala12Thr (NM_001291902.2); short protein forms A12T.
Identifiers: ClinVar variation 3029996 (VCV003029996.2), dbSNP rs2496704352, ClinGen allele CA2740093088.

ClinVar aggregate classification (germline): Uncertain significance (0 of 4 stars; one submission).

Conditions:
LRP5-related disorder. Also called: LRP5-related condition.

Submission:

PreventionGenetics, part of Exact Sciences
Classification: Uncertain significance for LRP5-related condition. Last evaluated: 2024-02-16. Review status: no assertion criteria provided. Collection method: clinical testing. Allele origin: germline.
Comment: The LRP5 c.34G>A variant is predicted to result in the amino acid substitution p.Ala12Thr. This variant is present in the intronic region of the main transcript, NM_002335:c.1801+693G>A, and is not predicted to impact splicing. This variant is present in the coding region of an alternative transcript, NM_001291902:c.34G>A, which is predicted to result in an amino acid substitution, p.Ala12Thr. To our knowledge, this variant has not been reported in the literature or in a large population database, indicating this variant is rare. At this time, the clinical significance of this variant is uncertain due to the absence of conclusive functional and genetic evidence.